The following is an entry in ClinVar:

NM_003489.4(NRIP1):c.3403C>T (p.Arg1135Cys)

Gene: NRIP1 (nuclear receptor interacting protein 1; minus strand). Cytogenetic location: 21q11.2.
Variant type: single nucleotide variant.
Coding change: c.3403C>T on transcript NM_003489.4 (MANE Select); coding-DNA position 3403, C replaced by T.
Protein change: p.Arg1135Cys; replaces arginine 1135 with cysteine.
Molecular consequence: missense variant.
Genome position (GRCh38, 1-based): chr21:14,964,790, G>A on the plus strand (C>T on the coding strand, the complement: NRIP1 is on the minus strand). VCF-style: chr21-14964790-G-A. GRCh37 (hg19) VCF-style: chr21-16337111-G-A.
Other names: short protein forms R1135C.
Identifiers: ClinVar variation 774533 (VCV000774533.33), dbSNP rs61750207, ClinGen allele CA9980964.
Genomic context (GRCh38, chr21:14,964,790, plus strand): 5'-TCTTTATCGTTAGCACGCTTCCCAGAAGTCCATAAACTTCTCCATTTGCGCTGTGTGGGC[G>A]AGAAGCATTATTTCCCATATGGCTATTGTAAGGGCTTCTTAAATTAAAGAAAGAAGCTTT-3'
Protein context (NP_003480.2, residues 1125-1145): YNSHMGNNAS[Arg1135Cys]PHSANGEVYG

ClinVar aggregate classification (germline): Benign. Review status: criteria provided, multiple submitters, no conflicts (2 of 4 stars). 3 submissions from 3 submitters: Benign (3). Last evaluated 2026-08-01.

Allele frequency attached by ClinVar (database versions not stated): 1000 Genomes Project 30x 0.00406; 1000 Genomes Project 0.00439; gnomAD 0.00868 and 0.00880; ExAC 0.00907; ESP Exome Variant Server 0.00907; gnomAD exomes 0.00922 and 0.01031; TOPMed 0.00948.
gnomAD v4.1: 16,426 of 1,608,510 alleles (1%); highest among the groups gnomAD compares: Middle Eastern, 1.7%; 113 homozygotes.

Submissions (3):

CeGaT Center for Human Genetics Tuebingen
Classification: Benign. Last evaluated: 2026-08-01. Review status: criteria provided, single submitter. Criteria: CeGaT Center For Human Genetics Tuebingen Variant Classification Criteria Version 2. Collection method: clinical testing. Allele origin: germline. Affected: yes. Observed: 4 variant alleles.
Comment: NRIP1: BP4, BS1, BS2

Labcorp Genetics (formerly Invitae), Labcorp
Classification: Benign. Last evaluated: 2026-02-01. Review status: criteria provided, single submitter. Criteria: Invitae Variant Classification Sherloc (09022015). Collection method: clinical testing. Allele origin: germline.

Breakthrough Genomics
Classification: Benign. Review status: criteria provided, single submitter. Criteria: ACMG Guidelines, 2015. Collection method: not provided. Allele origin: germline. Inheritance: Autosomal dominant inheritance. Affected: yes.